The following is an entry in ClinVar:

ClinVar aggregate classification (germline): Likely benign (0 of 4 stars; one submission).

Conditions:
CEP170B-related disorder. Also called: CEP170B-related condition.

Allele frequency attached by ClinVar (database versions not stated): ExAC 0.00002; gnomAD exomes 0.00002; gnomAD 0.00003; TOPMed 0.00004.
gnomAD v4.1: 27 of 1,587,246 alleles (0.0017%); highest among the groups gnomAD compares: Admixed American, 0.0071%; no homozygotes.

Submission:

PreventionGenetics, part of Exact Sciences
Classification: Likely benign for CEP170B-related condition. Last evaluated: 2019-05-09. Review status: no assertion criteria provided. Collection method: clinical testing. Allele origin: germline.
Comment: This variant is classified as likely benign based on ACMG/AMP sequence variant interpretation guidelines (Richards et al. 2015 PMID: 25741868, with internal and published modifications).

NM_001112726.3(CEP170B):c.1317G>A (p.Thr439=)

Gene: CEP170B (centrosomal protein 170B; plus strand). Cytogenetic location: 14q32.33.
Variant type: single nucleotide variant.
Coding change: c.1317G>A on transcript NM_001112726.3 (MANE Select); coding-DNA position 1317, G replaced by A.
Protein change: p.Thr439=; no amino-acid change (threonine 439 retained).
Molecular consequence: synonymous variant.
Genome position (GRCh38, 1-based): chr14:104,884,096, G>A. VCF-style: chr14-104884096-G-A. GRCh37 (hg19) VCF-style: chr14-105350433-G-A.
Other names: c.1107G>A, p.Thr369= (NM_015005.3).
Identifiers: ClinVar variation 3041413 (VCV003041413.2), dbSNP rs770032638, ClinGen allele CA7375567.
Genomic context (GRCh38, chr14:104,884,096, plus strand): 5'-CCAGTCCTTCACGCACAGCCCGTCCGGGGACCCCAAGGCCGACAAGCGCCGTGGCCCAAC[G>A]CCGGCCGATAGGGACCGCCCCAGTGTCCCAGCCCCAGTCCAGGCAGGGGGCCGCAGCTCG-3'
Protein context (NP_001106197.1, residues 429-449): DPKADKRRGP[Thr439=]PADRDRPSVP